The following is an entry in ClinVar:

NM_015102.5(NPHP4):c.2207G>A (p.Arg736His)

Gene: NPHP4 (nephrocystin 4; minus strand). Cytogenetic location: 1p36.31.
Variant type: single nucleotide variant.
Coding change: c.2207G>A on transcript NM_015102.5 (MANE Select); coding-DNA position 2207, G replaced by A.
Protein change: p.Arg736His; replaces arginine 736 with histidine.
Molecular consequence: missense variant. On other transcripts: non-coding transcript variant (1).
Genome position (GRCh38, 1-based): chr1:5,890,965, C>T on the plus strand (G>A on the coding strand, the complement: NPHP4 is on the minus strand). VCF-style: chr1-5890965-C-T. GRCh37 (hg19) VCF-style: chr1-5951025-C-T.
Other names: c.668G>A, p.Arg223His (NM_001291593.2); c.671G>A, p.Arg224His (NM_001291594.2); short protein forms R223H, R736H, R224H.
Identifiers: ClinVar variation 934843 (VCV000934843.9), dbSNP rs759527356, ClinGen allele CA554242.

ClinVar aggregate classification (germline): Uncertain significance. Review status: criteria provided, multiple submitters, no conflicts (2 of 4 stars). 2 submissions from 2 submitters: Uncertain significance (2). Last evaluated 2025-12-30.

Conditions:
NPHP4-related disorder. Also called: NPHP4-related disorders; NPHP4-related condition. Identifiers: MedGen CN239384.
Nephronophthisis. Also called: Juvenile Nephronophthisis. Identifiers: Orphanet 655, MedGen C0687120, MONDO:0019005, HP:0000090.

Allele frequency attached by ClinVar (database versions not stated): ExAC 0.00001; gnomAD exomes 0.00001; TOPMed 0.00001.

Submissions (2):

PreventionGenetics, part of Exact Sciences
Classification: Uncertain significance for NPHP4-related condition. Last evaluated: 2025-12-30. Review status: criteria provided, single submitter. Criteria: ACMG Guidelines, 2015. Collection method: clinical testing. Allele origin: germline.
Comment: The NPHP4 c.2207G>A variant is predicted to result in the amino acid substitution p.Arg736His. To our knowledge, this variant has not been reported in the literature. This variant is reported in 0.00093% of alleles in individuals of European (Non-Finnish) descent in gnomAD. At this time, the clinical significance of this variant is uncertain due to the absence of conclusive functional and genetic evidence.

Labcorp Genetics (formerly Invitae), Labcorp
Classification: Uncertain significance for Nephronophthisis. Last evaluated: 2022-08-09. Review status: criteria provided, single submitter. Criteria: Invitae Variant Classification Sherloc (09022015). Collection method: clinical testing. Allele origin: germline.
Comment: This sequence change replaces arginine, which is basic and polar, with histidine, which is basic and polar, at codon 736 of the NPHP4 protein (p.Arg736His). This variant is not present in population databases (gnomAD no frequency). This variant has not been reported in the literature in individuals affected with NPHP4-related conditions. ClinVar contains an entry for this variant (Variation ID: 934843). Algorithms developed to predict the effect of missense changes on protein structure and function output the following: SIFT: "Deleterious"; PolyPhen-2: "Benign"; Align-GVGD: "Class C0". The histidine amino acid residue is found in multiple mammalian species, which suggests that this missense change does not adversely affect protein function. In summary, the available evidence is currently insufficient to determine the role of this variant in disease. Therefore, it has been classified as a Variant of Uncertain Significance.